The following is an entry in ClinVar:

ClinVar aggregate classification (germline): Uncertain significance (1 of 4 stars; one submission).

Conditions:
Inborn genetic diseases. Identifiers: MedGen C0950123, MeSH D030342.

Submission:

Ambry Genetics
Classification: Uncertain significance for Inborn genetic diseases. Last evaluated: 2025-02-28. Review status: criteria provided, single submitter. Criteria: Ambry Variant Classification Scheme 2023. Collection method: clinical testing. Allele origin: germline.
Comment: The p.K825E variant (also known as c.2473A>G), located in coding exon 22 of the ANKRD26 gene, results from an A to G substitution at nucleotide position 2473. The lysine at codon 825 is replaced by glutamic acid, an amino acid with similar properties. This amino acid position is conserved. In addition, this alteration is predicted to be tolerated by in silico analysis. Based on the available evidence, the clinical significance of this variant remains unclear.

NM_014915.3(ANKRD26):c.2473A>G (p.Lys825Glu)

Gene: ANKRD26 (ankyrin repeat domain containing 26; minus strand). Cytogenetic location: 10p12.1.
Variant type: single nucleotide variant.
Coding change: c.2473A>G on transcript NM_014915.3 (MANE Select); coding-DNA position 2473, A replaced by G.
Protein change: p.Lys825Glu; replaces lysine 825 with glutamic acid.
Molecular consequence: missense variant.
Genome position (GRCh38, 1-based): chr10:27,037,957, T>C on the plus strand (A>G on the coding strand, the complement: ANKRD26 is on the minus strand). VCF-style: chr10-27037957-T-C. GRCh37 (hg19) VCF-style: chr10-27326886-T-C.
Other names: c.2470A>G, p.Lys824Glu (NM_001256053.2); short protein forms K824E, K825E.
Identifiers: ClinVar variation 3871827 (VCV003871827.1).